The following is an entry in ClinVar:

ClinVar aggregate classification (germline): Uncertain significance (1 of 4 stars; one submission).

gnomAD v4.1: 13 of 1,613,180 alleles (0.00081%); highest among the groups gnomAD compares: South Asian, 0.012%; no homozygotes.

Submission:

Mayo Clinic Laboratories, Mayo Clinic
Classification: Uncertain significance. Last evaluated: 2024-02-07. Review status: criteria provided, single submitter. Criteria: ACMG Guidelines, 2015. Collection method: clinical testing. Allele origin: germline. Observed: 1 variant allele.
Comment: PP3, PM2_moderate

NM_024747.6(HPS6):c.1880T>C (p.Leu627Pro)

Gene: HPS6 (HPS6 biogenesis of lysosomal organelles complex 2 subunit 3; plus strand). Cytogenetic location: 10q24.32.
Variant type: single nucleotide variant.
Coding change: c.1880T>C on transcript NM_024747.6 (MANE Select); coding-DNA position 1880, T replaced by C.
Protein change: p.Leu627Pro; replaces leucine 627 with proline.
Molecular consequence: missense variant.
Genome position (GRCh38, 1-based): chr10:102,067,354, T>C. VCF-style: chr10-102067354-T-C. GRCh37 (hg19) VCF-style: chr10-103827111-T-C.
Other names: p.Leu627Pro; short protein forms L627P.
Identifiers: ClinVar variation 3379989 (VCV003379989.1).